The following is an entry in ClinVar:

NM_002834.5(PTPN11):c.111C>A (p.Asn37Lys)

Gene: PTPN11 (protein tyrosine phosphatase non-receptor type 11; plus strand). Cytogenetic location: 12q24.13.
Variant type: single nucleotide variant.
Coding change: c.111C>A on transcript NM_002834.5 (MANE Select); coding-DNA position 111, C replaced by A.
Protein change: p.Asn37Lys; replaces asparagine 37 with lysine.
Molecular consequence: missense variant.
Genome position (GRCh38, 1-based): chr12:112,446,372, C>A. VCF-style: chr12-112446372-C-A. GRCh37 (hg19) VCF-style: chr12-112884176-C-A.
Other names: c.111C>A, p.Asn37Lys (NM_001330437.2, NM_001374625.1, NM_080601.3); short protein forms N37K.
Identifiers: ClinVar variation 4738042 (VCV004738042.1).

ClinVar aggregate classification (germline): Uncertain significance (1 of 4 stars; one submission).

Conditions:
RASopathy. Also called: rasopathies; Noonan spectrum disorder. Identifiers: Orphanet 536391, MedGen C5555857, MONDO:0021060.

gnomAD v4.1: 1 of 1,614,056 alleles (0.000062%); highest among the groups gnomAD compares: Admixed American, 0.0017%; no homozygotes.

Submission:

Labcorp Genetics (formerly Invitae), Labcorp
Classification: Uncertain significance for RASopathy. Last evaluated: 2026-01-23. Review status: criteria provided, single submitter. Criteria: Invitae Variant Classification Sherloc (09022015). Collection method: clinical testing. Allele origin: germline.
Comment: This sequence change replaces asparagine, which is neutral and polar, with lysine, which is basic and polar, at codon 37 of the PTPN11 protein (p.Asn37Lys). This variant is present in population databases (no rsID available, gnomAD 0.003%). This variant has not been reported in the literature in individuals affected with PTPN11-related conditions. Invitae Evidence Modeling of protein sequence and biophysical properties (such as structural, functional, and spatial information, amino acid conservation, physicochemical variation, residue mobility, and thermodynamic stability) has been performed for this missense variant. However, the output from this modeling did not meet the statistical confidence thresholds required to predict the impact of this variant on PTPN11 protein function. In summary, the available evidence is currently insufficient to determine the role of this variant in disease. Therefore, it has been classified as a Variant of Uncertain Significance.